The following is an entry in ClinVar:

ClinVar aggregate classification (germline): Uncertain significance (1 of 4 stars; one submission).

Conditions:
Hereditary cancer-predisposing syndrome. Also called: Neoplastic Syndromes, Hereditary; Tumor predisposition; Hereditary Cancer Syndrome; Hereditary neoplastic syndrome. Identifiers: Orphanet 140162, MedGen C0027672, MeSH D009386, MONDO:0015356.

Submission:

Color Diagnostics, LLC DBA Color Health
Classification: Uncertain significance for Hereditary cancer-predisposing syndrome. Last evaluated: 2024-03-11. Review status: criteria provided, single submitter. Criteria: ACMG Guidelines, 2015. Collection method: clinical testing. Allele origin: germline.
Comment: This missense variant replaces valine with methionine at codon 348 of the BRCA2 protein. Computational prediction suggests that this variant may not impact protein structure and function. To our knowledge, functional studies have not been reported for this variant. This variant has not been reported in individuals affected with BRCA2-related disorders in the literature. This variant has not been identified in the general population by the Genome Aggregation Database (gnomAD). The available evidence is insufficient to determine the role of this variant in disease conclusively. Therefore, this variant is classified as a Variant of Uncertain Significance.

NM_000059.4(BRCA2):c.1042G>A (p.Val348Met)

Gene: BRCA2 (BRCA2 DNA repair associated; plus strand). Cytogenetic location: 13q13.1.
Variant type: single nucleotide variant.
Coding change: c.1042G>A on transcript NM_000059.4 (MANE Select); coding-DNA position 1042, G replaced by A.
Protein change: p.Val348Met; replaces valine 348 with methionine.
Molecular consequence: missense variant. On other transcripts: non-coding transcript variant (1), intron variant (1).
Genome position (GRCh38, 1-based): chr13:32,332,520, G>A. VCF-style: chr13-32332520-G-A. GRCh37 (hg19) VCF-style: chr13-32906657-G-A.
Other names: c.1042G>A, p.Val348Met (NM_001406719.1, NM_001406720.1, NM_001406721.1 and 1 more transcripts); c.424+1490G>A (NM_001406722.1); short protein forms V348M.
Identifiers: ClinVar variation 3893721 (VCV003893721.1).